The following is an entry in ClinVar:

NM_001151.4(SLC25A4):c.824G>T (p.Trp275Leu)

Gene: SLC25A4 (solute carrier family 25 member 4; plus strand). Cytogenetic location: 4q35.1.
Variant type: single nucleotide variant.
Coding change: c.824G>T on transcript NM_001151.4 (MANE Select); coding-DNA position 824, G replaced by T.
Protein change: p.Trp275Leu; replaces tryptophan 275 with leucine.
Molecular consequence: missense variant.
Genome position (GRCh38, 1-based): chr4:185,146,898, G>T. VCF-style: chr4-185146898-G-T. GRCh37 (hg19) VCF-style: chr4-186068052-G-T.
Other names: short protein forms W275L.
Identifiers: ClinVar variation 1306368 (VCV001306368.2), dbSNP rs1342164736, ClinGen allele CA358897498.

ClinVar aggregate classification (germline): Uncertain significance (1 of 4 stars; one submission).

Allele frequency attached by ClinVar (database versions not stated): gnomAD exomes below 0.00001.

Submission:

GeneDx
Classification: Uncertain significance. Last evaluated: 2022-11-30. Review status: criteria provided, single submitter. Criteria: GeneDx Variant Classification Process June 2021. Collection method: clinical testing. Allele origin: germline. Affected: yes.
Comment: Not observed at a significant frequency in large population cohorts (gnomAD); In silico analysis, which includes protein predictors and evolutionary conservation, supports that this variant does not alter protein structure/function; Has not been previously published as pathogenic or benign to our knowledge